The following is an entry in ClinVar:

NM_004999.4(MYO6):c.1234A>G (p.Lys412Glu)

Gene: MYO6 (myosin VI; plus strand). Cytogenetic location: 6q14.1.
Variant type: single nucleotide variant.
Coding change: c.1234A>G on transcript NM_004999.4 (MANE Select); coding-DNA position 1234, A replaced by G.
Protein change: p.Lys412Glu; replaces lysine 412 with glutamic acid.
Molecular consequence: missense variant. On other transcripts: non-coding transcript variant (1).
Genome position (GRCh38, 1-based): chr6:75,857,107, A>G. VCF-style: chr6-75857107-A-G. GRCh37 (hg19) VCF-style: chr6-76566824-A-G.
Other names: c.1234A>G, p.Lys412Glu (NM_001300899.2, NM_001368136.1, NM_001368137.1 and 2 more transcripts); c.1219A>G, p.Lys407Glu (NM_001368138.1); short protein forms K407E, K412E.
Identifiers: ClinVar variation 1342112 (VCV001342112.4), dbSNP rs1379950750, ClinGen allele CA364759292.
Genomic context (GRCh38, chr6:75,857,107, plus strand): 5'-CACAGTGCACTATTATAAAGAATTTTTACTAGCATAGTTTTCTTTTATAGGGTACCTCTG[A>G]AAGTGGAGCAAGCAAACAATGCTCGTGATGCCCTGGCAAAGACAGTGTATAGCCATCTTT-3'
Protein context (NP_004990.3, residues 402-422): TKGTVIKVPL[Lys412Glu]VEQANNARDA

ClinVar aggregate classification (germline): Uncertain significance (1 of 4 stars; one submission).

Allele frequency attached by ClinVar (database versions not stated): TOPMed below 0.00001; gnomAD 0.00001.
gnomAD v4.1: 1 of 1,613,802 alleles (0.000062%); highest among the groups gnomAD compares: Admixed American, 0.0017%; no homozygotes.

Submission:

GeneDx
Classification: Uncertain significance. Last evaluated: 2026-01-21. Review status: criteria provided, single submitter. Criteria: GeneDx Variant Classification Process June 2021. Collection method: clinical testing. Allele origin: germline. Affected: yes.
Comment: Not observed at significant frequency in large population cohorts (gnomAD); In silico analysis supports that this missense variant has a deleterious effect on protein structure/function; Has not been previously published as pathogenic or benign to our knowledge